The following is an entry in ClinVar:

NM_147127.5(EVC2):c.1542C>T (p.Leu514=)

Gene: EVC2 (EvC ciliary complex subunit 2; minus strand). Cytogenetic location: 4p16.2.
Variant type: single nucleotide variant.
Coding change: c.1542C>T on transcript NM_147127.5 (MANE Select); coding-DNA position 1542, C replaced by T.
Protein change: p.Leu514=; no amino-acid change (leucine 514 retained).
Molecular consequence: synonymous variant.
Genome position (GRCh38, 1-based): chr4:5,631,961, G>A on the plus strand (C>T on the coding strand, the complement: EVC2 is on the minus strand). VCF-style: chr4-5631961-G-A. GRCh37 (hg19) VCF-style: chr4-5633688-G-A.
Other names: c.1302C>T, p.Leu434= (NM_001166136.2).
Identifiers: ClinVar variation 512537 (VCV000512537.10), dbSNP rs376252506, ClinGen allele CA2835015.

ClinVar aggregate classification (germline): Likely benign. Review status: criteria provided, multiple submitters, no conflicts (2 of 4 stars). 2 submissions from 2 submitters: Likely benign (2). Last evaluated 2025-01-30.

Conditions:
Curry-Hall syndrome (WAD). Also called: WEYERS ACRODENTAL DYSOSTOSIS. Identifiers: Orphanet 952, MedGen C0457013, MONDO:0008673, OMIM 193530.
Ellis-van Creveld syndrome (EVC). Also called: Chondroectodermal dysplasia; MESOECTODERMAL DYSPLASIA; EVC-Related Ellis-van Creveld Syndrome; EVC2-Related Ellis-van Creveld Syndrome. Identifiers: Orphanet 289, MedGen C0013903, MONDO:0009162, OMIM 225500.

Allele frequency attached by ClinVar (database versions not stated): gnomAD 0.00001; TOPMed 0.00002; ExAC 0.00003; gnomAD exomes 0.00003 and 0.00007; ESP Exome Variant Server 0.00008.
gnomAD v4.1: 99 of 1,614,098 alleles (0.0061%); highest among the groups gnomAD compares: Non-Finnish European, 0.0076%; no homozygotes.

Submissions (2):

Labcorp Genetics (formerly Invitae), Labcorp
Classification: Likely benign for Curry-Hall syndrome; Ellis-van Creveld syndrome. Last evaluated: 2025-01-30. Review status: criteria provided, single submitter. Criteria: Invitae Variant Classification Sherloc (09022015). Collection method: clinical testing. Allele origin: germline.

GeneDx
Classification: Likely benign. Last evaluated: 2017-10-04. Review status: criteria provided, single submitter. Criteria: GeneDx Variant Classification (06012015). Collection method: clinical testing. Allele origin: germline. Affected: yes.
Comment: This variant is considered likely benign or benign based on one or more of the following criteria: it is a conservative change, it occurs at a poorly conserved position in the protein, it is predicted to be benign by multiple in silico algorithms, and/or has population frequency not consistent with disease.